The following is an entry in ClinVar:

ClinVar aggregate classification (germline): Uncertain significance. Review status: criteria provided, multiple submitters, no conflicts (2 of 4 stars). 2 submissions from 2 submitters: Uncertain significance (2). Last evaluated 2025-12-15.

Conditions:
Spastic paraplegia. Identifiers: MedGen C0037772, HP:0001258.
Hereditary spastic paraplegia 10 (SPG10). Also called: SPASTIC PARAPLEGIA 10, AUTOSOMAL DOMINANT; SPASTIC PARAPLEGIA 10 WITH OR WITHOUT PERIPHERAL NEUROPATHY; SPASTIC PARAPLEGIA 10 WITH PERIPHERAL NEUROPATHY. Identifiers: Orphanet 100991, MedGen C1858712, MONDO:0011408, OMIM 604187.

Allele frequency attached by ClinVar (database versions not stated): gnomAD exomes below 0.00001; TOPMed below 0.00001.
gnomAD v4.1: 6 of 1,613,680 alleles (0.00037%); highest among the groups gnomAD compares: Admixed American, 0.0017%; no homozygotes.

Submissions (2):

Labcorp Genetics (formerly Invitae), Labcorp
Classification: Uncertain significance for Spastic paraplegia. Last evaluated: 2025-12-15. Review status: criteria provided, single submitter. Criteria: Invitae Variant Classification Sherloc (09022015). Collection method: clinical testing. Allele origin: germline.
Comment: This sequence change replaces arginine, which is basic and polar, with glutamine, which is neutral and polar, at codon 297 of the KIF5A protein (p.Arg297Gln). This variant is present in population databases (no rsID available, gnomAD 0.003%). This missense change has been observed in individual(s) with amyotrophic lateral sclerosis (PMID: 31422367). ClinVar contains an entry for this variant (Variation ID: 884000). Invitae Evidence Modeling of protein sequence and biophysical properties (such as structural, functional, and spatial information, amino acid conservation, physicochemical variation, residue mobility, and thermodynamic stability) has been performed for this missense variant. However, the output from this modeling did not meet the statistical confidence thresholds required to predict the impact of this variant on KIF5A protein function. In summary, the available evidence is currently insufficient to determine the role of this variant in disease. Therefore, it has been classified as a Variant of Uncertain Significance.

Illumina Laboratory Services, Illumina
Classification: Uncertain significance for Hereditary spastic paraplegia 10. Last evaluated: 2017-04-27. Review status: criteria provided, single submitter. Criteria: ICSL Variant Classification Criteria 13 December 2019. Collection method: clinical testing. Allele origin: germline.

Literature cited by the submitters: PubMed 31422367 (cited by Labcorp Genetics (formerly Invitae), Labcorp).

NM_004984.4(KIF5A):c.890G>A (p.Arg297Gln)

Gene: KIF5A (kinesin family member 5A; plus strand). Cytogenetic location: 12q13.3.
Variant type: single nucleotide variant.
Coding change: c.890G>A on transcript NM_004984.4 (MANE Select); coding-DNA position 890, G replaced by A.
Protein change: p.Arg297Gln; replaces arginine 297 with glutamine.
Molecular consequence: missense variant.
Genome position (GRCh38, 1-based): chr12:57,569,326, G>A. VCF-style: chr12-57569326-G-A. GRCh37 (hg19) VCF-style: chr12-57963109-G-A.
Other names: c.623G>A, p.Arg208Gln (NM_001354705.2); short protein forms R208Q, R297Q.
Identifiers: ClinVar variation 884000 (VCV000884000.9), dbSNP rs1404057685, ClinGen allele CA385500717.
Genomic context (GRCh38, chr12:57,569,326, plus strand): 5'-TTCCATATCGTGACAGCAAAATGACAAGGATTCTCCAGGACTCTCTCGGGGGAAACTGCC[G>A]GACGACTATGTTCATCTGTTGCTCACCATCCAGTTATAATGATGCAGAGACCAAGTCCAC-3'
Protein context (NP_004975.2, residues 287-307): ILQDSLGGNC[Arg297Gln]TTMFICCSPS